The following is an entry in ClinVar:

ClinVar aggregate classification (germline): Likely pathogenic. Review status: criteria provided, single submitter (1 of 4 stars). 3 submissions from 3 submitters: Likely pathogenic (1). 2 of the submissions do not count toward it. Last evaluated 2023-01-13.

Submissions (3):

Labcorp Genetics (formerly Invitae), Labcorp
Classification: Likely pathogenic. Last evaluated: 2023-01-13. Review status: criteria provided, single submitter. Criteria: Invitae Variant Classification Sherloc (09022015). Collection method: clinical testing. Allele origin: germline.
Comment: In summary, the currently available evidence indicates that the variant is pathogenic, but additional data are needed to prove that conclusively. Therefore, this variant has been classified as Likely Pathogenic. Algorithms developed to predict the effect of sequence changes on RNA splicing suggest that this variant may disrupt the consensus splice site. ClinVar contains an entry for this variant (Variation ID: 860309). This variant has not been reported in the literature in individuals affected with PCDH15-related conditions. This variant is not present in population databases (gnomAD no frequency). This sequence change affects a donor splice site in intron 21 of the PCDH15 gene. It is expected to disrupt RNA splicing. Variants that disrupt the donor or acceptor splice site typically lead to a loss of protein function (PMID: 16199547), and loss-of-function variants in PCDH15 are known to be pathogenic (PMID: 11398101, 11487575, 14570705).

Clinical Genetics DNA and cytogenetics Diagnostics Lab, Erasmus MC, Erasmus Medical Center
Classification: Pathogenic. Review status: no assertion criteria provided. Collection method: clinical testing. Allele origin: germline. Affected: yes. Study: VKGL Data-share Consensus. Not counted in ClinVar's aggregate classification.

Joint Genome Diagnostic Labs from Nijmegen and Maastricht, Radboudumc and MUMC+
Classification: Pathogenic. Review status: no assertion criteria provided. Collection method: clinical testing. Allele origin: germline. Affected: yes. Study: VKGL Data-share Consensus. Not counted in ClinVar's aggregate classification.

Literature cited by the submitters: PubMed 16199547 (cited by Labcorp Genetics (formerly Invitae), Labcorp); PubMed 11398101 (cited by Labcorp Genetics (formerly Invitae), Labcorp); PubMed 11487575 (cited by Labcorp Genetics (formerly Invitae), Labcorp); PubMed 14570705 (cited by Labcorp Genetics (formerly Invitae), Labcorp).

NM_001384140.1(PCDH15):c.2868+2T>C

Gene: PCDH15 (protocadherin related 15; minus strand). Cytogenetic location: 10q21.1.
Variant type: single nucleotide variant.
Coding change: c.2868+2T>C on transcript NM_001384140.1 (MANE Select); the canonical splice donor site of the intron after coding-DNA position 2868, T replaced by C.
Molecular consequence: splice donor variant. On other transcripts: missense variant (1).
Genome position (GRCh38, 1-based): chr10:53,995,647, A>G on the plus strand (T>C on the coding strand, the complement: PCDH15 is on the minus strand). VCF-style: chr10-53995647-A-G. GRCh37 (hg19) VCF-style: chr10-55755407-A-G.
Other names: c.2870T>C, p.Val957Ala (NM_001354430.2); c.2868+2T>C (NM_001354420.2, NM_001354429.2, NM_001142772.2 and 4 more transcripts); c.2883+2T>C (NM_001142771.2, NM_001142763.2); c.2889+2T>C (NM_001354411.2); c.2904+2T>C (NM_001142769.3); c.2802+2T>C (NM_001354404.2, NM_001142773.2, NM_001142768.2); c.2757+2T>C (NM_001142767.2); c.2655+2T>C (NM_001142765.2); short protein forms V957A.
Identifiers: ClinVar variation 860309 (VCV000860309.11), dbSNP rs2091798175, ClinGen allele CA376514893.